The following is an entry in ClinVar:

NM_052989.3(IFT122):c.419G>A (p.Trp140Ter)

Gene: IFT122 (intraflagellar transport 122; plus strand). Cytogenetic location: 3q21.3.
Variant type: single nucleotide variant.
Coding change: c.419G>A on transcript NM_052989.3 (MANE Select); coding-DNA position 419, G replaced by A.
Protein change: p.Trp140Ter; replaces tryptophan 140 with a stop codon.
Molecular consequence: nonsense. On other transcripts: 5 prime UTR variant (2).
Genome position (GRCh38, 1-based): chr3:129,464,637, G>A. VCF-style: chr3-129464637-G-A. GRCh37 (hg19) VCF-style: chr3-129183480-G-A.
Other names: c.263G>A, p.Trp88Ter (NM_052990.3, NM_001410815.1, NM_001410817.1); c.-32G>A (NM_001280545.2, NM_001280546.2); c.419G>A, p.Trp140Ter (NM_001410808.1, NM_001410809.1, NM_001410810.1 and 3 more transcripts); c.572G>A, p.Trp191Ter (NM_052985.4, NM_001280541.2); short protein forms W140*, W191*, W88*.
Identifiers: ClinVar variation 3604958 (VCV003604958.2).
Genomic context (GRCh38, chr3:129,464,637, plus strand): 5'-TTTACCTTCTGTGGGGTGCTTCCCCTATCCCCATGCCTTTTGTTGGTTGTGTACACAGCT[G>A]GACAAATGATGGTCAGTACCTGGCGCTGGGGATGTTCAATGGGATCATCAGCATACGGAA-3'

ClinVar aggregate classification (germline): Pathogenic (1 of 4 stars; one submission).

Conditions:
Cranioectodermal dysplasia 1 (CED1). Also called: LEVIN SYNDROME I. Identifiers: Orphanet 1515, MedGen C0432235, MONDO:0021093, OMIM 218330.

Submission:

Labcorp Genetics (formerly Invitae), Labcorp
Classification: Pathogenic for Cranioectodermal dysplasia 1. Last evaluated: 2025-08-14. Review status: criteria provided, single submitter. Criteria: Invitae Variant Classification Sherloc (09022015). Collection method: clinical testing. Allele origin: germline.
Comment: This sequence change creates a premature translational stop signal (p.Trp191*) in the IFT122 gene. It is expected to result in an absent or disrupted protein product. Loss-of-function variants in IFT122 are known to be pathogenic (PMID: 20493458, 23826986, 26792575). This variant is not present in population databases (gnomAD no frequency). This variant has not been reported in the literature in individuals affected with IFT122-related conditions. ClinVar contains an entry for this variant (Variation ID: 3604958). Algorithms developed to predict the effect of sequence changes on RNA splicing suggest that this variant may disrupt the consensus splice site. For these reasons, this variant has been classified as Pathogenic.

Literature cited by the submitters: PubMed 20493458; PubMed 23826986; PubMed 26792575.